The following is an entry in ClinVar:

NM_000493.4(COL10A1):c.149G>A (p.Ser50Asn)

Genes: NT5DC1 (5'-nucleotidase domain containing 1; plus strand), COL10A1 (collagen type X alpha 1 chain; minus strand). Cytogenetic location: 6q22.1.
Variant type: single nucleotide variant.
Coding change: c.149G>A on transcript NM_000493.4 (MANE Select); coding-DNA position 149, G replaced by A.
Protein change: p.Ser50Asn; replaces serine 50 with asparagine.
Molecular consequence: missense variant. On other transcripts: intron variant (1).
Genome position (GRCh38, 1-based): chr6:116,125,344, C>T on the plus strand (G>A on the coding strand, the complement: COL10A1 is on the minus strand). VCF-style: chr6-116125344-C-T. GRCh37 (hg19) VCF-style: chr6-116446507-C-T.
Other names: c.149G>A, p.Ser50Asn (NM_001424106.1, NM_001424107.1); c.529+7399C>T (NM_152729.3); short protein forms S50N.
Identifiers: ClinVar variation 3713149 (VCV003713149.2).
Genomic context (GRCh38, chr6:116,125,344, plus strand): 5'-TTATAGAAAGCAACAAGCAACTTGTTAATAGAACAAAATATACAATTCAATTTACCTTTA[C>T]TCTTTATGGTGTAGGGAATGAAGAACTGTGTCTTGGTGTTGGGTAGTGGGCCTTTTATGC-3'
Protein context (NP_000484.2, residues 40-60): TQFFIPYTIK[Ser50Asn]KGIAVRGEQG

ClinVar aggregate classification (germline): Uncertain significance (1 of 4 stars; one submission).

gnomAD v4.1: 62 of 1,613,258 alleles (0.0038%); highest among the groups gnomAD compares: Non-Finnish European, 0.005%; no homozygotes.

Submission:

Labcorp Genetics (formerly Invitae), Labcorp
Classification: Uncertain significance. Last evaluated: 2024-11-05. Review status: criteria provided, single submitter. Criteria: Invitae Variant Classification Sherloc (09022015). Collection method: clinical testing. Allele origin: germline.
Comment: This sequence change replaces serine, which is neutral and polar, with asparagine, which is neutral and polar, at codon 50 of the COL10A1 protein (p.Ser50Asn). This variant is present in population databases (rs758830415, gnomAD 0.003%). This variant has not been reported in the literature in individuals affected with COL10A1-related conditions. An algorithm developed to predict the effect of missense changes on protein structure and function outputs the following: PolyPhen-2: "Not Available". The asparagine amino acid residue is found in multiple mammalian species, which suggests that this missense change does not adversely affect protein function. In summary, the available evidence is currently insufficient to determine the role of this variant in disease. Therefore, it has been classified as a Variant of Uncertain Significance.